The following is an entry in ClinVar:

NM_001042492.3(NF1):c.1819A>G (p.Arg607Gly)

Gene: NF1 (neurofibromin 1; plus strand). Cytogenetic location: 17q11.2.
Variant type: single nucleotide variant.
Coding change: c.1819A>G on transcript NM_001042492.3 (MANE Select); coding-DNA position 1819, A replaced by G.
Protein change: p.Arg607Gly; replaces arginine 607 with glycine.
Molecular consequence: missense variant.
Genome position (GRCh38, 1-based): chr17:31,223,541, A>G. VCF-style: chr17-31223541-A-G. GRCh37 (hg19) VCF-style: chr17-29550559-A-G.
Other names: c.1819A>G, p.Arg607Gly (NM_000267.4); short protein forms R607G.
Identifiers: ClinVar variation 1719407 (VCV001719407.5), dbSNP rs2144017009, ClinGen allele CA399004549.

ClinVar aggregate classification (germline): Uncertain significance (1 of 4 stars; one submission).

Conditions:
Neurofibromatosis, type 1 (NF1). Also called: Peripheral type neurofibromatosis; VON RECKLINGHAUSEN DISEASE; NEUROFIBROMATOSIS, TYPE I, SOMATIC; Neurofibromatosis, type I. Identifiers: Orphanet 636, MedGen C0027831, MONDO:0018975, OMIM 162200. Disease mechanism: loss of function.

Submission:

Labcorp Genetics (formerly Invitae), Labcorp
Classification: Uncertain significance for Neurofibromatosis, type 1. Last evaluated: 2022-09-14. Review status: criteria provided, single submitter. Criteria: Invitae Variant Classification Sherloc (09022015). Collection method: clinical testing. Allele origin: germline.
Comment: In summary, the available evidence is currently insufficient to determine the role of this variant in disease. Therefore, it has been classified as a Variant of Uncertain Significance. Advanced modeling of protein sequence and biophysical properties (such as structural, functional, and spatial information, amino acid conservation, physicochemical variation, residue mobility, and thermodynamic stability) performed at Invitae indicates that this missense variant is expected to disrupt NF1 protein function. This variant has not been reported in the literature in individuals affected with NF1-related conditions. This variant is not present in population databases (gnomAD no frequency). This sequence change replaces arginine, which is basic and polar, with glycine, which is neutral and non-polar, at codon 607 of the NF1 protein (p.Arg607Gly).